The following is an entry in ClinVar:

ClinVar aggregate classification (germline): Uncertain significance (1 of 4 stars; one submission).

Conditions:
Hereditary cancer-predisposing syndrome. Also called: Tumor predisposition; Hereditary neoplastic syndrome; Neoplastic Syndromes, Hereditary; Hereditary Cancer Syndrome. Identifiers: Orphanet 140162, MedGen C0027672, MeSH D009386, MONDO:0015356.

Submission:

Ambry Genetics
Classification: Uncertain significance for Hereditary cancer-predisposing syndrome. Last evaluated: 2025-05-23. Review status: criteria provided, single submitter. Criteria: Ambry Variant Classification Scheme 2023. Collection method: clinical testing. Allele origin: germline.
Comment: The p.E932A variant (also known as c.2795A>C), located in coding exon 18 of the BRIP1 gene, results from an A to C substitution at nucleotide position 2795. The glutamic acid at codon 932 is replaced by alanine, an amino acid with dissimilar properties. This amino acid position is well conserved in available vertebrate species. In addition, this alteration is predicted to be tolerated by in silico analysis. Based on the available evidence, the clinical significance of this variant remains unclear.

NM_032043.3(BRIP1):c.2795A>C (p.Glu932Ala)

Gene: BRIP1 (BRCA1 interacting DNA helicase 1; minus strand). Cytogenetic location: 17q23.2.
Variant type: single nucleotide variant.
Coding change: c.2795A>C on transcript NM_032043.3 (MANE Select); coding-DNA position 2795, A replaced by C.
Protein change: p.Glu932Ala; replaces glutamic acid 932 with alanine.
Molecular consequence: missense variant.
Genome position (GRCh38, 1-based): chr17:61,685,946, T>G on the plus strand (A>C on the coding strand, the complement: BRIP1 is on the minus strand). VCF-style: chr17-61685946-T-G. GRCh37 (hg19) VCF-style: chr17-59763307-T-G.
Other names: short protein forms E932A.
Identifiers: ClinVar variation 3993117 (VCV003993117.1).